The following is an entry in ClinVar:

ClinVar aggregate classification (germline): Conflicting classifications of pathogenicity. Review status: criteria provided, conflicting classifications (1 of 4 stars). 6 submissions from 6 submitters: Uncertain significance (2); Benign (1); Likely benign (3). Last evaluated 2025-07-04.

Conditions:
Hereditary cancer-predisposing syndrome. Also called: Hereditary Cancer Syndrome; Neoplastic Syndromes, Hereditary; Hereditary neoplastic syndrome; Tumor predisposition. Identifiers: Orphanet 140162, MedGen C0027672, MeSH D009386, MONDO:0015356.
Hereditary breast ovarian cancer syndrome. Also called: Breast and ovarian cancer; Hereditary breast and ovarian cancer syndrome; Hereditary breast and/or ovarian cancer syndrome; BRCA1- and BRCA2-Associated Hereditary Breast and Ovarian Cancer; Hereditary breast and ovarian cancer; Hereditary breast and ovarian cancer syndrome (HBOC). Identifiers: Orphanet 145, MedGen C0677776, MeSH D061325, MONDO:0003582. Disease mechanism: loss of function.

Allele frequency attached by ClinVar (database versions not stated): gnomAD 0.00001; gnomAD exomes 0.00004; ExAC 0.00006.
gnomAD v4.1: 24 of 1,612,580 alleles (0.0015%); highest among the groups gnomAD compares: South Asian, 0.025%; no homozygotes.

Submissions (6):

Labcorp Genetics (formerly Invitae), Labcorp
Classification: Likely benign for Hereditary breast ovarian cancer syndrome. Last evaluated: 2025-07-04. Review status: criteria provided, single submitter. Criteria: Invitae Variant Classification Sherloc (09022015). Collection method: clinical testing. Allele origin: germline.

GeneDx
Classification: Uncertain significance. Last evaluated: 2024-09-15. Review status: criteria provided, single submitter. Criteria: GeneDx Variant Classification Process June 2021. Collection method: clinical testing. Allele origin: germline. Affected: yes.
Comment: In silico analysis supports that this missense variant has a deleterious effect on protein structure/function; Has not been previously published as pathogenic or benign to our knowledge; Also known as 5126T>C

ARUP Laboratories, Molecular Genetics and Genomics, ARUP Laboratories
Classification: Benign. Last evaluated: 2023-08-21. Review status: criteria provided, single submitter. Criteria: ARUP Molecular Germline Variant Investigation Process 2024. Collection method: clinical testing. Allele origin: germline.

University of Washington Department of Laboratory Medicine, University of Washington
Classification: Likely benign for Hereditary cancer-predisposing syndrome. Last evaluated: 2023-03-23. Review status: criteria provided, single submitter. Criteria: Dines et al. (Genet Med. 2020). Collection method: curation. Allele origin: germline.
Comment: Missense variant in a coldspot region where missense variants are very unlikely to be pathogenic (PMID:31911673).

BRCA2 exon 11 coldspot. Reclassification based on statistical prior probability.

Ambry Genetics
Classification: Likely benign for Hereditary cancer-predisposing syndrome. Last evaluated: 2022-01-04. Review status: criteria provided, single submitter. Criteria: Ambry Variant Classification Scheme 2023. Collection method: clinical testing. Allele origin: germline.

Color Diagnostics, LLC DBA Color Health
Classification: Uncertain significance for Hereditary cancer-predisposing syndrome. Last evaluated: 2021-06-08. Review status: criteria provided, single submitter. Criteria: ACMG Guidelines, 2015. Collection method: clinical testing. Allele origin: germline.
Comment: This missense variant replaces isoleucine with threonine at codon 1633 of the BRCA2 protein. Computational prediction suggests that this variant may not impact protein structure and function (internally defined REVEL score threshold <= 0.5, PMID: 27666373). To our knowledge, functional studies have not been reported for this variant. This variant has not been reported in individuals affected with hereditary cancer in the literature. This variant has been identified in 10/249134 chromosomes in the general population by the Genome Aggregation Database (gnomAD). The available evidence is insufficient to determine the role of this variant in disease conclusively. Therefore, this variant is classified as a Variant of Uncertain Significance.

NM_000059.4(BRCA2):c.4898T>C (p.Ile1633Thr)

Gene: BRCA2 (BRCA2 DNA repair associated; plus strand). Cytogenetic location: 13q13.1.
Variant type: single nucleotide variant.
Coding change: c.4898T>C on transcript NM_000059.4 (MANE Select); coding-DNA position 4898, T replaced by C.
Protein change: p.Ile1633Thr; replaces isoleucine 1633 with threonine.
Molecular consequence: missense variant.
Genome position (GRCh38, 1-based): chr13:32,339,253, T>C. VCF-style: chr13-32339253-T-C. GRCh37 (hg19) VCF-style: chr13-32913390-T-C.
Other names: short protein forms I1633T.
Identifiers: ClinVar variation 188428 (VCV000188428.21), dbSNP rs80358714, ClinGen allele CA020977.